The following is an entry in ClinVar:

ClinVar aggregate classification (germline): Likely benign (1 of 4 stars; one submission).

Submission:

CeGaT Center for Human Genetics Tuebingen
Classification: Likely benign. Last evaluated: 2024-10-01. Review status: criteria provided, single submitter. Criteria: CeGaT Center For Human Genetics Tuebingen Variant Classification Criteria Version 2. Collection method: clinical testing. Allele origin: germline. Affected: yes. Observed: 7 variant alleles.
Comment: NIPBL: BS1

NM_133433.4(NIPBL):c.-79-1563_-79-1540del

Gene: NIPBL (NIPBL cohesin loading factor; plus strand). Cytogenetic location: 5p13.2.
Variant type: Deletion.
Coding change: c.-79-1563_-79-1540del on transcript NM_133433.4 (MANE Select); 1563 bases into the intron before 79 bases upstream of the start codon through 1540 bases into the intron before 79 bases upstream of the start codon, 24 bases deleted (CGCGCGCGCGCGCGCGCGCATGTG).
Molecular consequence: intron variant.
Genome position (GRCh38, 1-based): chr5:36,952,055-36,952,078, CGCGCGCGCGCGCGCGCGCATGTG deleted; deleting any 24 consecutive bases within chr5:36,952,051-36,952,078 gives the same sequence; the c. name uses the placement nearest the transcript's 3' end. VCF-style (leftmost placement, unchanged base first): chr5-36952050-GTGTGCGCGCGCGCGCGCGCGCGCA-G. GRCh37 (hg19) VCF-style: chr5-36952152-GTGTGCGCGCGCGCGCGCGCGCGCA-G.
Other names: c.-79-1563_-79-1540del (NM_015384.5).
Identifiers: ClinVar variation 2655415 (VCV002655415.24), dbSNP rs750839372, ClinGen allele CA117020357.